The following is an entry in ClinVar:

ClinVar aggregate classification (germline): Uncertain significance (1 of 4 stars; one submission).

Submission:

Ambry Genetics
Classification: Uncertain significance. Last evaluated: 2024-09-02. Review status: criteria provided, single submitter. Criteria: Ambry Variant Classification Scheme 2023. Collection method: clinical testing. Allele origin: germline.
Comment: The p.P1880L variant (also known as c.5639C>T), located in coding exon 17 of the POLQ gene, results from a C to T substitution at nucleotide position 5639. The proline at codon 1880 is replaced by leucine, an amino acid with similar properties. This amino acid position is conserved. In addition, this alteration is predicted to be tolerated by in silico analysis. Since supporting evidence is limited at this time, the clinical significance of this alteration remains unclear.

NM_199420.4(POLQ):c.5639C>T (p.Pro1880Leu)

Gene: POLQ (DNA polymerase theta; minus strand). Cytogenetic location: 3q13.33.
Variant type: single nucleotide variant.
Coding change: c.5639C>T on transcript NM_199420.4 (MANE Select); coding-DNA position 5639, C replaced by T.
Protein change: p.Pro1880Leu; replaces proline 1880 with leucine.
Molecular consequence: missense variant.
Genome position (GRCh38, 1-based): chr3:121,485,175, G>A on the plus strand (C>T on the coding strand, the complement: POLQ is on the minus strand). VCF-style: chr3-121485175-G-A. GRCh37 (hg19) VCF-style: chr3-121204022-G-A.
Other names: short protein forms P1880L.
Identifiers: ClinVar variation 1748781 (VCV001748781.3), dbSNP rs2546783046, ClinGen allele CA354089383.